The following is an entry in ClinVar:

ClinVar aggregate classification (germline): Benign/Likely benign. Review status: criteria provided, multiple submitters, no conflicts (2 of 4 stars). 5 submissions from 5 submitters: Benign (1); Likely benign (3). 1 of the submissions does not count toward it. Last evaluated 2025-06-12.

Conditions:
SIX1-related disorder. Also called: SIX1-related condition.
Branchiootorenal syndrome 1. Also called: Branchio-Oto-Renal Syndrome 1. Identifiers: Orphanet 107, MedGen C4551702, MONDO:0007236, OMIM 113650.
Branchiootic syndrome 3 (BOS3). Also called: BO SYNDROME 3. Identifiers: MedGen C1842124, MONDO:0012025, OMIM 608389.
Autosomal dominant nonsyndromic hearing loss 23. Identifiers: Orphanet 90635, MedGen C1854594, MONDO:0011519, OMIM 605192.

Allele frequency attached by ClinVar (database versions not stated): gnomAD exomes 0.00009; ExAC 0.00014; gnomAD 0.00033 and 0.00037; ESP Exome Variant Server 0.00038; TOPMed 0.00043.
gnomAD v4.1: 96 of 1,609,868 alleles (0.006%); highest among the groups gnomAD compares: African/African-American, 0.12%; no homozygotes.

Submissions (5):

Labcorp Genetics (formerly Invitae), Labcorp
Classification: Benign for Autosomal dominant nonsyndromic hearing loss 23; Branchiootic syndrome 3. Last evaluated: 2025-06-12. Review status: criteria provided, single submitter. Criteria: Invitae Variant Classification Sherloc (09022015). Collection method: clinical testing. Allele origin: germline.

Blueprint Genetics
Classification: Likely benign. Last evaluated: 2023-06-16. Review status: criteria provided, single submitter. Criteria: ACMG Guidelines, 2015. Collection method: clinical testing. Allele origin: germline.

Fulgent Genetics
Classification: Likely benign for Branchiootorenal syndrome 1; Autosomal dominant nonsyndromic hearing loss 23; Branchiootic syndrome 3. Last evaluated: 2021-08-05. Review status: criteria provided, single submitter. Criteria: ACMG Guidelines, 2015. Collection method: clinical testing. Allele origin: unknown.

GeneDx
Classification: Likely benign. Last evaluated: 2021-01-16. Review status: criteria provided, single submitter. Criteria: GeneDx Variant Classification Process June 2021. Collection method: clinical testing. Allele origin: germline. Affected: yes.

PreventionGenetics, part of Exact Sciences
Classification: Likely benign for SIX1-related condition. Last evaluated: 2023-07-18. Review status: no assertion criteria provided. Collection method: clinical testing. Allele origin: germline. Not counted in ClinVar's aggregate classification.
Comment: This variant is classified as likely benign based on ACMG/AMP sequence variant interpretation guidelines (Richards et al. 2015 PMID: 25741868, with internal and published modifications).

NM_005982.4(SIX1):c.615T>G (p.Pro205=)

Gene: SIX1 (SIX homeobox 1; minus strand). Cytogenetic location: 14q23.1.
Variant type: single nucleotide variant.
Coding change: c.615T>G on transcript NM_005982.4 (MANE Select); coding-DNA position 615, T replaced by G.
Protein change: p.Pro205=; no amino-acid change (proline 205 retained).
Molecular consequence: synonymous variant.
Genome position (GRCh38, 1-based): chr14:60,646,523, A>C on the plus strand (T>G on the coding strand, the complement: SIX1 is on the minus strand). VCF-style: chr14-60646523-A-C. GRCh37 (hg19) VCF-style: chr14-61113241-A-C.
Identifiers: ClinVar variation 1331163 (VCV001331163.13), dbSNP rs148433316, ClinGen allele CA7212750.